The following is an entry in ClinVar:

ClinVar aggregate classification (germline): Pathogenic (1 of 4 stars; one submission).

Submission:

Mayo Clinic Laboratories, Mayo Clinic
Classification: Pathogenic. Last evaluated: 2025-02-25. Review status: criteria provided, single submitter. Criteria: ACMG Guidelines, 2015. Collection method: clinical testing. Allele origin: germline. Observed: 1 variant allele.
Comment: PM2_supporting, PM3, PS4_moderate, PVS1

Literature cited by the submitters: PubMed 35343054; PubMed 39088757.

NM_000552.5(VWF):c.1352_1373del (p.Leu451fs)

Gene: VWF (von Willebrand factor; minus strand). Cytogenetic location: 12p13.31.
Variant type: Deletion.
Coding change: c.1352_1373del on transcript NM_000552.5 (MANE Select); coding-DNA positions 1352 to 1373, 22 bases deleted (TGCACAACAGCCTTGTGAAACT).
Protein change: p.Leu451fs; shifts the reading frame from leucine 451.
Molecular consequence: frameshift variant.
Genome position (GRCh38, 1-based): chr12:6,064,305-6,064,326, AGTTTCACAAGGCTGTTGTGCA deleted on the plus strand (TGCACAACAGCCTTGTGAAACT on the coding strand, the reverse complement: VWF is on the minus strand). VCF-style (leftmost placement, unchanged base first): chr12-6064304-CAGTTTCACAAGGCTGTTGTGCA-C. GRCh37 (hg19) VCF-style: chr12-6173470-CAGTTTCACAAGGCTGTTGTGCA-C.
Other names: p.Leu451Argfs*19; short protein forms L451fs.
Identifiers: ClinVar variation 4541688 (VCV004541688.1).